The following is an entry in ClinVar:

ClinVar aggregate classification (germline): Uncertain significance (1 of 4 stars; one submission).

Conditions:
Hereditary cancer-predisposing syndrome. Also called: Tumor predisposition; Neoplastic Syndromes, Hereditary; Hereditary neoplastic syndrome; Hereditary Cancer Syndrome. Identifiers: Orphanet 140162, MedGen C0027672, MeSH D009386, MONDO:0015356.

Submission:

Ambry Genetics
Classification: Uncertain significance for Hereditary cancer-predisposing syndrome. Last evaluated: 2025-09-02. Review status: criteria provided, single submitter. Criteria: Ambry Variant Classification Scheme 2023. Collection method: clinical testing. Allele origin: germline.
Comment: The p.H1112Y variant (also known as c.3334C>T), located in coding exon 15 of the MET gene, results from a C to T substitution at nucleotide position 3334. The histidine at codon 1112 is replaced by tyrosine, an amino acid with similar properties. This variant was reported in individual(s) with features consistent with MET-related papillary renal cell carcinoma (Schmidt L et al. Oncogene, 1999 Apr;18:2343-50). In an assay testing MET function, this variant showed a functionally abnormal result (Sebai M et al. Hum Mutat, 2022 Mar;43:316-327). Other variant(s) at the same codon, p.H1112R (c.3335A>G), have been identified in individual(s) with features consistent with MET-related papillary renal cell carcinoma (Ambry internal data). This amino acid position is highly conserved in available vertebrate species. In addition, the in silico prediction for this alteration is inconclusive.

Literature cited by the submitters: PubMed 10327054; PubMed 34882875.

NM_000245.4(MET):c.3280C>T (p.His1094Tyr)

Gene: MET (MET proto-oncogene, receptor tyrosine kinase; plus strand). Cytogenetic location: 7q31.2.
Variant type: single nucleotide variant.
Coding change: c.3280C>T on transcript NM_000245.4 (MANE Select); coding-DNA position 3280, C replaced by T.
Protein change: p.His1094Tyr; replaces histidine 1094 with tyrosine.
Molecular consequence: missense variant.
Genome position (GRCh38, 1-based): chr7:116,777,409, C>T. VCF-style: chr7-116777409-C-T. GRCh37 (hg19) VCF-style: chr7-116417463-C-T.
Other names: c.3334C>T, p.His1112Tyr (NM_001127500.3); c.1990C>T, p.His664Tyr (NM_001324402.2); c.3334C>T (NM_001127500.1); short protein forms H1112Y, H1094Y, H664Y.
Identifiers: ClinVar variation 4106789 (VCV004106789.1), dbSNP rs121913244.